The following is an entry in ClinVar:

NM_000329.3(RPE65):c.1293C>A (p.Tyr431Ter)

Gene: RPE65 (retinoid isomerohydrolase RPE65; minus strand). Cytogenetic location: 1p31.3.
Variant type: single nucleotide variant.
Coding change: c.1293C>A on transcript NM_000329.3 (MANE Select); coding-DNA position 1293, C replaced by A.
Protein change: p.Tyr431Ter; replaces tyrosine 431 with a stop codon.
Molecular consequence: nonsense.
Genome position (GRCh38, 1-based): chr1:68,431,327, G>T on the plus strand (C>A on the coding strand, the complement: RPE65 is on the minus strand). VCF-style: chr1-68431327-G-T. GRCh37 (hg19) VCF-style: chr1-68897010-G-T.
Other names: NM_000329.3(RPE65):c.1293C>A; p.Tyr431Ter; c.1185C>A, p.Tyr395Ter (NM_001406853.1); c.1017C>A, p.Tyr339Ter (NM_001406856.1, NM_001406857.1); short protein forms Y431*, Y339*, Y395*.
Identifiers: ClinVar variation 2013949 (VCV002013949.6), dbSNP rs1289316104, ClinGen allele CA340742522.

ClinVar aggregate classification (germline): Uncertain significance. Review status: reviewed by expert panel (3 of 4 stars). 3 submissions from 3 submitters: Uncertain significance (1). 2 of the submissions do not count toward it. Last evaluated 2026-09-22.

Conditions:
Retinitis pigmentosa 20 (RP20). Identifiers: Orphanet 791, MedGen C3151086, MONDO:0013425, OMIM 613794.
Leber congenital amaurosis 2 (LCA2). Also called: AMAUROSIS CONGENITA OF LEBER II; Autosomal Recessive RPE65-Related Retinal Degeneration. Identifiers: Orphanet 65, MedGen C1859844, MONDO:0008765, OMIM 204100. Disease mechanism: loss of function.
Retinitis pigmentosa 87 with choroidal involvement. Identifiers: MedGen C5231465, MONDO:0032873, OMIM 618697.
RPE65-related recessive retinopathy. Also called: Recessive RPE65 retinopathy. Identifiers: MedGen CN305526, MONDO:0100368.

Allele frequency attached by ClinVar (database versions not stated): gnomAD exomes below 0.00001.
gnomAD v4.1: 1 of 1,613,988 alleles (0.000062%); highest among the groups gnomAD compares: Non-Finnish European, 0.000085%; no homozygotes.

Submissions (3):

ClinGen Leber Congenital Amaurosis/early Onset Retinal Dystrophy Variant Curation Expert Panel, ClinGen
Classification: Uncertain significance for RPE65-related recessive retinopathy. Last evaluated: 2026-09-22. Review status: reviewed by expert panel. Criteria: ClinGen LCAeoRD ACMG Specifications RPE65 V1.0.0. Collection method: curation. Allele origin: germline. Inheritance: Autosomal recessive inheritance.
Comment: NM_000329.3(RPE65):c.1293C>A (p.Tyr431Ter) is a nonsense variant that introduces a premature stop codon into exon 12 of 14, and is predicted to lead to nonsense-mediated decay in a gene in which loss-of-function is an established mechanism of disease (PVS1). This variant is present in gnomAD v.4.1.1 with an allele frequency of 6.196e-7, with 1 /1179932 alleles in the European (non-Finnish) population, which is lower than the ClinGen LCA / eoRD VCEP PM2_Supporting threshold of <0.0002 (PM2_Supporting). In summary, this variant meets the criteria to be classified as Likely Pathogenic for RPE65-related recessive retinopathy based on ACMG/AMP criteria applied, as specified by the ClinGen LCA/eoRD VCEP: PVS1 and PM2_Supporting. (LCA/eoRD VCEP specifications version 1.0.0)

Fulgent Genetics
Classification: Likely pathogenic for Leber congenital amaurosis 2; Retinitis pigmentosa 20; Retinitis pigmentosa 87 with choroidal involvement. Last evaluated: 2024-04-09. Review status: criteria provided, single submitter. Criteria: ACMG Guidelines, 2015. Collection method: clinical testing. Allele origin: germline. Not counted in ClinVar's aggregate classification.

Labcorp Genetics (formerly Invitae), Labcorp
Classification: Pathogenic for Leber congenital amaurosis 2; Retinitis pigmentosa 20. Last evaluated: 2022-07-04. Review status: criteria provided, single submitter. Criteria: Invitae Variant Classification Sherloc (09022015). Collection method: clinical testing. Allele origin: germline. Not counted in ClinVar's aggregate classification.
Comment: For these reasons, this variant has been classified as Pathogenic. This variant has not been reported in the literature in individuals affected with RPE65-related conditions. This variant is present in population databases (no rsID available, gnomAD 0.0009%). This sequence change creates a premature translational stop signal (p.Tyr431*) in the RPE65 gene. It is expected to result in an absent or disrupted protein product. Loss-of-function variants in RPE65 are known to be pathogenic (PMID: 9326941, 9501220, 9843205, 18632300).

Literature cited by the submitters: PubMed 9326941 (cited by Labcorp Genetics (formerly Invitae), Labcorp); PubMed 9501220 (cited by Labcorp Genetics (formerly Invitae), Labcorp); PubMed 9843205 (cited by Labcorp Genetics (formerly Invitae), Labcorp); PubMed 18632300 (cited by Labcorp Genetics (formerly Invitae), Labcorp).